The following is an entry in ClinVar:

ClinVar aggregate classification (germline): Uncertain significance (1 of 4 stars; one submission).

Allele frequency attached by ClinVar (database versions not stated): gnomAD 0.00001.
gnomAD v4.1: 7 of 1,613,878 alleles (0.00043%); highest among the groups gnomAD compares: Non-Finnish European, 0.00059%; no homozygotes.

Submission:

Labcorp Genetics (formerly Invitae), Labcorp
Classification: Uncertain significance. Last evaluated: 2023-05-21. Review status: criteria provided, single submitter. Criteria: Invitae Variant Classification Sherloc (09022015). Collection method: clinical testing. Allele origin: germline.
Comment: In summary, the available evidence is currently insufficient to determine the role of this variant in disease. Therefore, it has been classified as a Variant of Uncertain Significance. Advanced modeling of protein sequence and biophysical properties (such as structural, functional, and spatial information, amino acid conservation, physicochemical variation, residue mobility, and thermodynamic stability) performed at Invitae indicates that this missense variant is not expected to disrupt ADK protein function. This variant has not been reported in the literature in individuals affected with ADK-related conditions. This variant is present in population databases (rs113318057, gnomAD 0.0009%). This sequence change replaces glutamic acid, which is acidic and polar, with lysine, which is basic and polar, at codon 114 of the ADK protein (p.Glu114Lys).

NM_006721.4(ADK):c.391G>A (p.Glu131Lys)

Gene: ADK (adenosine kinase; plus strand). Cytogenetic location: 10q22.2.
Variant type: single nucleotide variant.
Coding change: c.391G>A on transcript NM_006721.4 (MANE Select); coding-DNA position 391, G replaced by A.
Protein change: p.Glu131Lys; replaces glutamic acid 131 with lysine.
Molecular consequence: missense variant.
Genome position (GRCh38, 1-based): chr10:74,394,258, G>A. VCF-style: chr10-74394258-G-A. GRCh37 (hg19) VCF-style: chr10-76154016-G-A.
Other names: c.340G>A, p.Glu114Lys (NM_001123.4, NM_001369124.1); c.286G>A, p.Glu96Lys (NM_001202449.2); c.391G>A, p.Glu131Lys (NM_001202450.2, NM_001369123.1); short protein forms E114K, E131K, E96K.
Identifiers: ClinVar variation 3011657 (VCV003011657.3), dbSNP rs113318057, ClinGen allele CA209861111.
Genomic context (GRCh38, chr10:74,394,258, plus strand): 5'-AAATTTGGGGAGATCCTGAAGAGAAAAGCTGCTGAAGCCCATGTGGATGCTCATTACTAC[G>A]AGCAGAATGAGCAGCCAACAGGAACTTGTGCTGCATGCATCACTGGTGACAACAGGTCAG-3'
Protein context (NP_006712.2, residues 121-141): AEAHVDAHYY[Glu131Lys]QNEQPTGTCA